The following is an entry in ClinVar:

ClinVar aggregate classification (germline): Uncertain significance. Review status: criteria provided, multiple submitters, no conflicts (2 of 4 stars). 2 submissions from 2 submitters: Uncertain significance (2). Last evaluated 2023-12-10.

Conditions:
Inborn genetic diseases. Identifiers: MedGen C0950123, MeSH D030342.

Allele frequency attached by ClinVar (database versions not stated): gnomAD 0.00002; gnomAD exomes 0.00002; TOPMed 0.00007.
gnomAD v4.1: 22 of 1,209,563 alleles (0.0018%); highest among the groups gnomAD compares: African/African-American, 0.0035%; no homozygotes.

Submissions (2):

GeneDx
Classification: Uncertain significance. Last evaluated: 2023-12-10. Review status: criteria provided, single submitter. Criteria: GeneDx Variant Classification Process June 2021. Collection method: clinical testing. Allele origin: germline. Affected: yes.
Comment: Not observed at significant frequency in large population cohorts (gnomAD); In silico analysis supports that this missense variant does not alter protein structure/function; Has not been previously published as pathogenic or benign to our knowledge

Ambry Genetics
Classification: Uncertain significance for Inborn genetic diseases. Last evaluated: 2022-12-15. Review status: criteria provided, single submitter. Criteria: Ambry Variant Classification Scheme 2023. Collection method: clinical testing. Allele origin: germline.

NM_001448.3(GPC4):c.1541A>G (p.Asn514Ser)

Gene: GPC4 (glypican 4; minus strand). Cytogenetic location: Xq26.2.
Variant type: single nucleotide variant.
Coding change: c.1541A>G on transcript NM_001448.3 (MANE Select); coding-DNA position 1541, A replaced by G.
Protein change: p.Asn514Ser; replaces asparagine 514 with serine.
Molecular consequence: missense variant.
Genome position (GRCh38, 1-based): chrX:133,302,997, T>C on the plus strand (A>G on the coding strand, the complement: GPC4 is on the minus strand). VCF-style: chrX-133302997-T-C. GRCh37 (hg19) VCF-style: chrX-132437025-T-C.
Other names: short protein forms N514S.
Identifiers: ClinVar variation 2381436 (VCV002381436.3), dbSNP rs927768064, ClinGen allele CA335949165.